The following is an entry in ClinVar:

NM_178170.3(NEK8):c.2052G>A (p.Ser684=)

Gene: NEK8 (NIMA related kinase 8; plus strand). Cytogenetic location: 17q11.2.
Variant type: single nucleotide variant.
Coding change: c.2052G>A on transcript NM_178170.3 (MANE Select); coding-DNA position 2052, G replaced by A.
Protein change: p.Ser684=; no amino-acid change (serine 684 retained).
Molecular consequence: synonymous variant.
Genome position (GRCh38, 1-based): chr17:28,741,960, G>A. VCF-style: chr17-28741960-G-A. GRCh37 (hg19) VCF-style: chr17-27068978-G-A.
Other names: p.Ser684=.
Identifiers: ClinVar variation 194569 (VCV000194569.21), dbSNP rs145898152, ClinGen allele CA240610.
Genomic context (GRCh38, chr17:28,741,960, plus strand): 5'-ATGATTTCTGGAGGCACTGCCCTCAGAAGCTGCAAGGGTTTCTCTTCGGTACCCTCCAGC[G>A]GTCACAGATGAGCCGGTCCCCCCCTGAGGCACCCGGATTCACCTCTGGACCACCCTGATA-3'
Protein context (NP_835464.1, residues 674-692): CHGNTLLAVR[Ser684=]VTDEPVPP

ClinVar aggregate classification (germline): Benign. Review status: criteria provided, multiple submitters, no conflicts (2 of 4 stars). 6 submissions from 6 submitters: Benign (6). Last evaluated 2026-02-01.

Conditions:
Nephronophthisis 9 (NPHP9). Identifiers: Orphanet 655, MedGen C3151188, MONDO:0013444, OMIM 613824.

Allele frequency attached by ClinVar (database versions not stated): ESP Exome Variant Server 0.00031; gnomAD exomes 0.00768; 1000 Genomes Project 0.00799; ExAC 0.00543; 1000 Genomes Project 30x 0.00874; gnomAD 0.00291 and 0.00300; TOPMed 0.00332.

Submissions (9):

Labcorp Genetics (formerly Invitae), Labcorp
Classification: Benign for Nephronophthisis 9. Last evaluated: 2026-02-01. Review status: criteria provided, single submitter. Criteria: Invitae Variant Classification Sherloc (09022015). Collection method: clinical testing. Allele origin: germline.

Mayo Clinic Laboratories, Mayo Clinic
Classification: Benign. Last evaluated: 2023-04-10. Review status: criteria provided, single submitter. Criteria: ACMG Guidelines, 2015. Collection method: clinical testing. Allele origin: germline. Observed: 1 variant allele.

GeneDx
Classification: Benign. Last evaluated: 2019-09-02. Review status: criteria provided, single submitter. Criteria: GeneDx Variant Classification Process June 2021. Collection method: clinical testing. Allele origin: germline. Affected: yes.

Illumina Laboratory Services, Illumina
Classification: Benign for Nephronophthisis 9. Last evaluated: 2018-01-12. Review status: criteria provided, single submitter. Criteria: ICSL Variant Classification Criteria 13 December 2019. Collection method: clinical testing. Allele origin: germline.
Comment: This variant was observed in the ICSL laboratory as part of a predisposition screen in an ostensibly healthy population. It had not been previously curated by ICSL or reported in the Human Gene Mutation Database (HGMD: prior to June 1st, 2018), and was therefore a candidate for classification through an automated scoring system. Utilizing variant allele frequency, disease prevalence and penetrance estimates, and inheritance mode, an automated score was calculated to assess if this variant is too frequent to cause the disease. Based on the score and internal cut-off values, a variant classified as benign is not then subjected to further curation. The score for this variant resulted in a classification of benign for this disease.

Eurofins Ntd Llc (ga)
Classification: Benign. Last evaluated: 2017-02-08. Review status: criteria provided, single submitter. Criteria: EGL Classification Definitions 2015. Collection method: clinical testing. Allele origin: germline. Observed: 2 variant alleles, 2 heterozygotes.

Breakthrough Genomics
Classification: Benign. Review status: criteria provided, single submitter. Criteria: ACMG Guidelines, 2015. Collection method: not provided. Allele origin: germline. Inheritance: Autosomal recessive inheritance. Affected: yes.

Dr. Peter K. Rogan Lab, Western University
No classification provided (evidence only). Condition: Clear cell carcinoma of kidney. Review status: no classification provided. Collection method: in vitro. Allele origin: not applicable. Functional consequence: retained intron. Not counted in ClinVar's aggregate classification.

Dr. Peter K. Rogan Lab, Western University
No classification provided (evidence only). Condition: Thyroid cancer, nonmedullary, 1. Review status: no classification provided. Collection method: in vitro. Allele origin: not applicable. Functional consequence: retained intron. Not counted in ClinVar's aggregate classification.

Dr. Peter K. Rogan Lab, Western University
No classification provided (evidence only). Condition: Uterine corpus endometrial carcinoma. Review status: no classification provided. Collection method: in vitro. Allele origin: not applicable. Functional consequence: retained intron. Not counted in ClinVar's aggregate classification.